The following is an entry in ClinVar:

ClinVar aggregate classification (germline): Uncertain significance. Review status: criteria provided, multiple submitters, no conflicts (2 of 4 stars). 2 submissions from 2 submitters: Uncertain significance (2). Last evaluated 2026-06-17.

Conditions:
Inborn genetic diseases. Identifiers: MedGen C0950123, MeSH D030342.
Intellectual developmental disorder, X-linked, syndromic 33. Also called: Intellectual disability, X-linked, syndromic 33; X-linked intellectual disability-global development delay-facial dysmorphism-sacral caudal remnant syndrome. Identifiers: Orphanet 480907, MedGen C4225418, MONDO:0010500, OMIM 300966.

Allele frequency attached by ClinVar (database versions not stated): gnomAD 0.00002; TOPMed 0.00001.
gnomAD v4.1: 2 of 1,200,023 alleles (0.00017%); highest among the groups gnomAD compares: African/African-American, 0.0018%; no homozygotes.

Submissions (2):

Ambry Genetics
Classification: Uncertain significance for Inborn genetic diseases. Last evaluated: 2026-06-17. Review status: criteria provided, single submitter. Criteria: Ambry Variant Classification Scheme 2023. Collection method: clinical testing. Allele origin: germline.

Broad Center for Mendelian Genomics, Broad Institute of MIT and Harvard
Classification: Uncertain significance for Intellectual developmental disorder, X-linked, syndromic 33. Last evaluated: 2018-06-15. Review status: criteria provided, single submitter. Criteria: ACMG Guidelines, 2015. Collection method: research. Allele origin: germline. Inheritance: X-linked inheritance. Affected: yes. Clinical features observed: Dysmorphic Face, Absent speech, Developmental delay, Abnormality of Brain Morphology.
Comment: The hemizygous p.Ile944Thr variant was identified by our study in two brothers with syndromic intellectual disability. This variant was absent from large population studies. The Isoleucine (Ile) at position 944 is highly conserved in mammals and evolutionarily distant species, raising the possibility that a change at this position may not be tolerated. Computational prediction tools do not provide strong support for or against an impact to the protein. In summary, the clinical significance of this variant is uncertain.

NM_004606.5(TAF1):c.2771T>C (p.Ile924Thr)

Gene: TAF1 (TATA-box binding protein associated factor 1; plus strand). Cytogenetic location: Xq13.1.
Variant type: single nucleotide variant.
Coding change: c.2771T>C on transcript NM_004606.5 (MANE Select); coding-DNA position 2771, T replaced by C.
Protein change: p.Ile924Thr; replaces isoleucine 924 with threonine.
Molecular consequence: missense variant. On other transcripts: non-coding transcript variant (9).
Genome position (GRCh38, 1-based): chrX:71,389,655, T>C. VCF-style: chrX-71389655-T-C. GRCh37 (hg19) VCF-style: chrX-70609505-T-C.
Other names: c.2771T>C, p.Ile924Thr (NM_001286074.2); c.2708T>C, p.Ile903Thr (NM_138923.4); c.2831T>C (NM_004606.3); short protein forms I924T, I903T.
Identifiers: ClinVar variation 635062 (VCV000635062.2), dbSNP rs1174447128, ClinGen allele CA413522461.